The following is an entry in ClinVar:

ClinVar aggregate classification (germline): Uncertain significance (1 of 4 stars; one submission).

Conditions:
Brachyolmia-amelogenesis imperfecta syndrome. Also called: Tooth agenesis, selective, 6; Dental anomalies and short stature; PLATYSPONDYLY WITH AMELOGENESIS IMPERFECTA. Identifiers: Orphanet 2899, MedGen C1832594, MONDO:0011018, OMIM 601216. Disease mechanism: loss of function.

Allele frequency attached by ClinVar (database versions not stated): gnomAD exomes 0.00001.
gnomAD v4.1: 3 of 1,561,802 alleles (0.00019%); highest among the groups gnomAD compares: Non-Finnish European, 0.00026%; no homozygotes.

Submission:

Labcorp Genetics (formerly Invitae), Labcorp
Classification: Uncertain significance for Brachyolmia-amelogenesis imperfecta syndrome. Last evaluated: 2022-01-26. Review status: criteria provided, single submitter. Criteria: Invitae Variant Classification Sherloc (09022015). Collection method: clinical testing. Allele origin: germline.
Comment: In summary, the available evidence is currently insufficient to determine the role of this variant in disease. Therefore, it has been classified as a Variant of Uncertain Significance. Algorithms developed to predict the effect of missense changes on protein structure and function are either unavailable or do not agree on the potential impact of this missense change (SIFT: "Deleterious"; PolyPhen-2: "Benign"; Align-GVGD: "Class C0"). This variant has not been reported in the literature in individuals affected with LTBP3-related conditions. This variant is not present in population databases (gnomAD no frequency). This sequence change replaces serine, which is neutral and polar, with threonine, which is neutral and polar, at codon 256 of the LTBP3 protein (p.Ser256Thr).

NM_001130144.3(LTBP3):c.766T>A (p.Ser256Thr)

Gene: LTBP3 (latent transforming growth factor beta binding protein 3; minus strand). Cytogenetic location: 11q13.1.
Variant type: single nucleotide variant.
Coding change: c.766T>A on transcript NM_001130144.3 (MANE Select); coding-DNA position 766, T replaced by A.
Protein change: p.Ser256Thr; replaces serine 256 with threonine.
Molecular consequence: missense variant.
Genome position (GRCh38, 1-based): chr11:65,553,799, A>T on the plus strand (T>A on the coding strand, the complement: LTBP3 is on the minus strand). VCF-style: chr11-65553799-A-T. GRCh37 (hg19) VCF-style: chr11-65321270-A-T.
Other names: c.415T>A, p.Ser139Thr (NM_001164266.1); c.766T>A, p.Ser256Thr (NM_021070.4); short protein forms S256T, S139T.
Identifiers: ClinVar variation 2090008 (VCV002090008.4), dbSNP rs2496176058, ClinGen allele CA381275822.
Genomic context (GRCh38, chr11:65,553,799, plus strand): 5'-GGGGCTTCTGGGTGGGCGGCCGGGGGTGCGAGGGCTTGGGGTGCGGCAGCAGGTGCTGGG[A>T]GGGGGCTGCGCTCTCGGCGTTCGAGCTCTCAATGCGGTGCACCTGGACTGAGGCCTCGGG-3'
Protein context (NP_001123616.1, residues 246-266): ESSNAESAAP[Ser256Thr]QHLLPHPKPS